The following is an entry in ClinVar:

NM_001005373.4(LRSAM1):c.1936G>A (p.Val646Ile)

Gene: LRSAM1 (leucine rich repeat and sterile alpha motif containing 1; plus strand). Cytogenetic location: 9q34.11.
Variant type: single nucleotide variant.
Coding change: c.1936G>A on transcript NM_001005373.4 (MANE Select); coding-DNA position 1936, G replaced by A.
Protein change: p.Val646Ile; replaces valine 646 with isoleucine.
Molecular consequence: missense variant. On other transcripts: non-coding transcript variant (2).
Genome position (GRCh38, 1-based): chr9:127,501,033, G>A. VCF-style: chr9-127501033-G-A. GRCh37 (hg19) VCF-style: chr9-130263312-G-A.
Other names: c.1936G>A (NM_138361.4); c.1936G>A, p.Val646Ile (NM_001005374.4, NM_001384142.1, NM_138361.5); c.1855G>A, p.Val619Ile (NM_001190723.3); c.1837G>A, p.Val613Ile (NM_001384143.1); c.1147G>A, p.Val383Ile (NM_001384144.1); short protein forms V646I, V619I, V383I, V613I.
Identifiers: ClinVar variation 539997 (VCV000539997.9), dbSNP rs748358043, ClinGen allele CA5247206.

ClinVar aggregate classification (germline): Uncertain significance. Review status: criteria provided, multiple submitters, no conflicts (2 of 4 stars). 2 submissions from 2 submitters: Uncertain significance (2). Last evaluated 2025-08-27.

Conditions:
Inborn genetic diseases. Identifiers: MedGen C0950123, MeSH D030342.
Charcot-Marie-Tooth disease axonal type 2P. Also called: CHARCOT-MARIE-TOOTH NEUROPATHY, TYPE 2P; CHARCOT-MARIE-TOOTH DISEASE, AXONAL, TYPE 2G; CMT 2G; Charcot-Marie-Tooth Neuropathy Type 2G. Identifiers: Orphanet 300319, Orphanet 99941, MedGen C3280797, MONDO:0013753, OMIM 614436.

Allele frequency attached by ClinVar (database versions not stated): gnomAD exomes below 0.00001; ExAC 0.00001.
gnomAD v4.1: 5 of 1,613,996 alleles (0.00031%); highest among the groups gnomAD compares: Non-Finnish European, 0.00042%; no homozygotes.

Submissions (2):

Ambry Genetics
Classification: Uncertain significance for Inborn genetic diseases. Last evaluated: 2025-08-27. Review status: criteria provided, single submitter. Criteria: Ambry Variant Classification Scheme 2023. Collection method: clinical testing. Allele origin: germline.

Labcorp Genetics (formerly Invitae), Labcorp
Classification: Uncertain significance for Charcot-Marie-Tooth disease axonal type 2P. Last evaluated: 2021-06-13. Review status: criteria provided, single submitter. Criteria: Invitae Variant Classification Sherloc (09022015). Collection method: clinical testing. Allele origin: germline.
Comment: This variant has not been reported in the literature in individuals with LRSAM1-related disease. This variant is present in population databases (rs748358043, ExAC 0.002%). This sequence change replaces valine with isoleucine at codon 646 of the LRSAM1 protein (p.Val646Ile). The valine residue is moderately conserved and there is a small physicochemical difference between valine and isoleucine. Algorithms developed to predict the effect of missense changes on protein structure and function (SIFT, PolyPhen-2, Align-GVGD) all suggest that this variant is likely to be tolerated, but these predictions have not been confirmed by published functional studies and their clinical significance is uncertain. In summary, the available evidence is currently insufficient to determine the role of this variant in disease. Therefore, it has been classified as a Variant of Uncertain Significance.